The following is an entry in ClinVar:

NM_138576.4(BCL11B):c.1901_1906dup (p.Gly634_Asp635dup)

Gene: BCL11B (BCL11 transcription factor B; minus strand). Cytogenetic location: 14q32.2.
Variant type: Duplication.
Coding change: c.1901_1906dup on transcript NM_138576.4 (MANE Select); coding-DNA positions 1901 to 1906, 6 bases duplicated (GCGACG; older notation c.1901_1906dupGCGACG).
Protein change: p.Gly634_Asp635dup.
Molecular consequence: inframe insertion.
Genome position (GRCh38, 1-based): chr14:99,174,930-99,174,935, CGTCGC duplicated on the plus strand (GCGACG on the coding strand, the reverse complement: BCL11B is on the minus strand); duplicating any 6 consecutive bases within chr14:99,174,930-99,174,936 gives the same sequence; the c. name uses the placement nearest the transcript's 3' end. VCF-style (leftmost placement, unchanged base first): chr14-99174929-T-TCGTCGC. GRCh37 (hg19) VCF-style: chr14-99641266-T-TCGTCGC.
Other names: c.1898_1903dup, p.Gly633_Asp634dup (NM_001282237.2); c.1685_1690dup, p.Gly562_Asp563dup (NM_001282238.2); c.1688_1693dup, p.Gly563_Asp564dup (NM_022898.3); c.1688_1693dup6 (NM_022898.2).
Identifiers: ClinVar variation 218836 (VCV000218836.2), dbSNP rs760277241, ClinGen allele CA249291.

ClinVar aggregate classification (germline): Conflicting classifications of pathogenicity. Review status: criteria provided, conflicting classifications (1 of 4 stars). 2 submissions from 2 submitters: Uncertain significance (1); Benign (1). Last evaluated 2023-04-04.

Conditions:
BCL11B-related disorder. Also called: BCL11B-Related Disorders.

Submissions (2):

PreventionGenetics, part of Exact Sciences
Classification: Uncertain significance for BCL11B-related condition. Last evaluated: 2023-04-04. Review status: criteria provided, single submitter. Criteria: ACMG Guidelines, 2015. Collection method: clinical testing. Allele origin: germline.
Comment: The BCL11B c.1688_1693dup6 variant is predicted to result in an in-frame duplication (p.Gly563_Asp564dup). To our knowledge, this variant has not been reported in the literature. This variant is reported in 0.0030% of alleles in individuals of European (Non-Finnish) descent in gnomAD. At this time, the clinical significance of this variant is uncertain due to the absence of conclusive functional and genetic evidence.

Genomic Diagnostic Laboratory, Division of Genomic Diagnostics, Children's Hospital of Philadelphia
Classification: Benign. Last evaluated: 2015-05-11. Review status: criteria provided, single submitter. Criteria: DGD Variant Analysis Guidelines. Collection method: clinical testing. Allele origin: unknown.